The following is an entry in ClinVar:

NM_005585.5(SMAD6):c.26T>C (p.Leu9Pro)

Gene: SMAD6 (SMAD family member 6; plus strand). Cytogenetic location: 15q22.31.
Variant type: single nucleotide variant.
Coding change: c.26T>C on transcript NM_005585.5 (MANE Select); coding-DNA position 26, T replaced by C.
Protein change: p.Leu9Pro; replaces leucine 9 with proline.
Molecular consequence: missense variant. On other transcripts: non-coding transcript variant (1).
Genome position (GRCh38, 1-based): chr15:66,703,284, T>C. VCF-style: chr15-66703284-T-C. GRCh37 (hg19) VCF-style: chr15-66995622-T-C.
Other names: short protein forms L9P.
Identifiers: ClinVar variation 2195593 (VCV002195593.4), dbSNP rs1893016336, ClinGen allele CA392948301.
Genomic context (GRCh38, chr15:66,703,284, plus strand): 5'-GCCTCCCCCCCACCCCTGGCGCCAAAGGATATCGTATGTTCAGGTCCAAACGCTCGGGGC[T>C]GGTGCGGCGACTTTGGCGAAGTCGTGTGGTCCCCGACCGGGAGGAAGGCGGCAGCGGCGG-3'
Protein context (NP_005576.3, residues 1-19): MFRSKRSG[Leu9Pro]VRRLWRSRVV

ClinVar aggregate classification (germline): Uncertain significance (1 of 4 stars; one submission).

Conditions:
Aortic valve disease 2 (AOVD2). Identifiers: MedGen C3542024, MONDO:0013902, OMIM 614823.

Allele frequency attached by ClinVar (database versions not stated): gnomAD exomes below 0.00001; TOPMed below 0.00001.
gnomAD v4.1: 5 of 1,490,010 alleles (0.00034%); highest among the groups gnomAD compares: Non-Finnish European, 0.00045%; no homozygotes.

Submission:

Labcorp Genetics (formerly Invitae), Labcorp
Classification: Uncertain significance for Aortic valve disease 2. Last evaluated: 2025-11-17. Review status: criteria provided, single submitter. Criteria: Invitae Variant Classification Sherloc (09022015). Collection method: clinical testing. Allele origin: germline.
Comment: This sequence change replaces leucine, which is neutral and non-polar, with proline, which is neutral and non-polar, at codon 9 of the SMAD6 protein (p.Leu9Pro). This variant is not present in population databases (gnomAD no frequency). This variant has not been reported in the literature in individuals affected with SMAD6-related conditions. ClinVar contains an entry for this variant (Variation ID: 2195593). An algorithm developed to predict the effect of missense changes on protein structure and function (PolyPhen-2) suggests that this variant is likely to be disruptive. In summary, the available evidence is currently insufficient to determine the role of this variant in disease. Therefore, it has been classified as a Variant of Uncertain Significance.